The following is an entry in ClinVar:

NM_001009944.3(PKD1):c.11156+4C>T

Genes: PKD1 (polycystin 1, transient receptor potential channel interacting; minus strand), PKD1-AS1 (PKD1 antisense RNA 1; plus strand). Cytogenetic location: 16p13.3.
Variant type: single nucleotide variant.
Coding change: c.11156+4C>T on transcript NM_001009944.3 (MANE Select); 4 bases into the intron after coding-DNA position 11156, C replaced by T.
Molecular consequence: intron variant. On other transcripts: non-coding transcript variant (1).
Genome position (GRCh38, 1-based): chr16:2,092,950, G>A on the plus strand (C>T on the coding strand, the complement: PKD1 is on the minus strand). VCF-style: chr16-2092950-G-A. GRCh37 (hg19) VCF-style: chr16-2142951-G-A.
Other names: c.11153+4C>T (NM_000296.4).
Identifiers: ClinVar variation 997362 (VCV000997362.2), dbSNP rs1417376349, ClinGen allele CA492962751.

ClinVar aggregate classification (germline): Likely benign. Review status: criteria provided, single submitter (1 of 4 stars). 2 submissions from 2 submitters: Likely benign (1). 1 of the submissions does not count toward it. Last evaluated 2022-03-21.

Conditions:
Polycystic kidney disease. Also called: Kidney, Polycystic; Polycystic kidney dysplasia. Identifiers: MedGen C0022680, MeSH D007690, MONDO:0020642, HP:0000113.

Allele frequency attached by ClinVar (database versions not stated): TOPMed below 0.00001; gnomAD exomes 0.00002 and 0.00006.
gnomAD v4.1: 89 of 1,612,940 alleles (0.0055%); highest among the groups gnomAD compares: Non-Finnish European, 0.0069%; no homozygotes.

Submissions (2):

Blueprint Genetics
Classification: Likely benign. Last evaluated: 2022-03-21. Review status: criteria provided, single submitter. Criteria: ACMG Guidelines, 2015. Collection method: clinical testing. Allele origin: germline.

Department of Pathology and Laboratory Medicine, Sinai Health System
Classification: Uncertain significance for Polycystic Kidney disease. Review status: no assertion criteria provided. Collection method: clinical testing. Allele origin: unknown. Affected: yes. Study: The Canadian Open Genetics Repository (COGR). Not counted in ClinVar's aggregate classification.
Comment: The PKD1 c.11156+4C>T variant was not identified in the literature. The variant was identified in dbSNP (rs1417376349) with an unknown clinical association. It was not identified in the ClinVar, LOVD 3.0, ADPKD Mutation or PKD1-LOVD. The variant was identified in control databases in 5 of 245,850 chromosomes at a frequency of 0.00002 (Genome Aggregation Database Feb 27, 2017). The variant was observed in the following populations: European in 4 of 111,372 chromosomes (freq: 0.00004) and Ashkenazi Jewish in 1 of 9836 chromosomes (freq: 0.0001), but not in the African, Other, Latino, East Asian, Finnish, or South Asian populations. The c.11156+4C>T variant is located in the 5' splice region but does not affect the invariant +1 and +2 positions. Positions +3 to +6 are part of the splicing consensus sequence and variants involving these positions sometimes affect splicing, although in silico or computational prediction software programs (SpliceSiteFinder, MaxEntScan, NNSPLICE, GeneSplicer) do not predict a difference in splicing at this position and the c.11156+4 nucleotide is not highly conserved. In summary, based on the above information, the clinical significance of this variant cannot be determined with certainty at this time. This variant is classified as a variant of uncertain significance.